The following is an entry in ClinVar:

NM_001903.5(CTNNA1):c.504C>T (p.Gly168=)

Gene: CTNNA1 (catenin alpha 1; plus strand). Cytogenetic location: 5q31.2.
Variant type: single nucleotide variant.
Coding change: c.504C>T on transcript NM_001903.5 (MANE Select); coding-DNA position 504, C replaced by T.
Protein change: p.Gly168=; no amino-acid change (glycine 168 retained).
Molecular consequence: synonymous variant.
Genome position (GRCh38, 1-based): chr5:138,812,218, C>T. VCF-style: chr5-138812218-C-T. GRCh37 (hg19) VCF-style: chr5-138147907-C-T.
Other names: c.504C>T, p.Gly168= (NM_001290307.3, NM_001323982.2, NM_001323983.1 and 3 more transcripts); c.195C>T, p.Gly65= (NM_001290309.3); c.135C>T, p.Gly45= (NM_001290310.3).
Identifiers: ClinVar variation 825401 (VCV000825401.14), dbSNP rs1581119353, ClinGen allele CA446591388.
Genomic context (GRCh38, chr5:138,812,218, plus strand): 5'-TTTTGGGGTCTTTCTTATTTTATAGGTGGAAGATGGTATCTTGAAGTTGAGGAATGCTGG[C>T]AATGAACAAGACTTAGGAATCCAGTATAAAGCCCTAAAACCTGAAGTGGATAAGCTGAAC-3'
Protein context (NP_001894.2, residues 158-178): EDGILKLRNA[Gly168=]NEQDLGIQYK

ClinVar aggregate classification (germline): Benign/Likely benign. Review status: criteria provided, multiple submitters, no conflicts (2 of 4 stars). 3 submissions from 3 submitters: Benign (1); Likely benign (2). Last evaluated 2024-10-10.

Conditions:
Hereditary diffuse gastric adenocarcinoma (HDGC). Also called: DIFFUSE GASTRIC AND LOBULAR BREAST CANCER SYNDROME. Identifiers: Orphanet 26106, MedGen C1708349, MONDO:0007648, OMIM 137215.
Hereditary cancer-predisposing syndrome. Also called: Neoplastic Syndromes, Hereditary; Hereditary Cancer Syndrome; Hereditary neoplastic syndrome; Tumor predisposition. Identifiers: Orphanet 140162, MedGen C0027672, MeSH D009386, MONDO:0015356.

gnomAD v4.1: 4 of 1,613,402 alleles (0.00025%); highest among the groups gnomAD compares: African/African-American, 0.0013%; no homozygotes.

Submissions (3):

Myriad Genetics, Inc.
Classification: Benign for Hereditary diffuse gastric adenocarcinoma. Last evaluated: 2024-10-10. Review status: criteria provided, single submitter. Criteria: Myriad Autosomal Dominant, Autosomal Recessive and X-Linked Classification Criteria (2023). Collection method: clinical testing. Allele origin: unknown.
Comment: This variant is considered benign. This variant is a silent/synonymous amino acid change and it is not expected to impact splicing.

Labcorp Genetics (formerly Invitae), Labcorp
Classification: Likely benign. Last evaluated: 2024-01-17. Review status: criteria provided, single submitter. Criteria: Invitae Variant Classification Sherloc (09022015). Collection method: clinical testing. Allele origin: germline.

Ambry Genetics
Classification: Likely benign for Hereditary cancer-predisposing syndrome. Last evaluated: 2019-06-03. Review status: criteria provided, single submitter. Criteria: Ambry Variant Classification Scheme 2023. Collection method: clinical testing. Allele origin: germline.